The following is an entry in ClinVar:

ClinVar aggregate classification (germline): Benign (1 of 4 stars; one submission).

Allele frequency attached by ClinVar (database versions not stated): gnomAD 0.01810 and 0.01937; 1000 Genomes Project 0.01977; TOPMed 0.02035; 1000 Genomes Project 30x 0.02139.
gnomAD v4.1: 2,725 of 152,250 alleles (1.8%); highest among the groups gnomAD compares: African/African-American, 6.2%; 81 homozygotes.

Submission:

GeneDx
Classification: Benign. Last evaluated: 2018-06-14. Review status: criteria provided, single submitter. Criteria: GeneDx Variant Classification (06012015). Collection method: clinical testing. Allele origin: germline. Affected: yes.
Comment: This variant is considered likely benign or benign based on one or more of the following criteria: it is a conservative change, it occurs at a poorly conserved position in the protein, it is predicted to be benign by multiple in silico algorithms, and/or has population frequency not consistent with disease.

NM_004544.4(NDUFA10):c.749+278C>T

Gene: NDUFA10 (NADH:ubiquinone oxidoreductase subunit A10; minus strand). Cytogenetic location: 2q37.3.
Variant type: single nucleotide variant.
Coding change: c.749+278C>T on transcript NM_004544.4 (MANE Select); 278 bases into the intron after coding-DNA position 749, C replaced by T.
Molecular consequence: intron variant.
Genome position (GRCh38, 1-based): chr2:240,011,339, G>A on the plus strand (C>T on the coding strand, the complement: NDUFA10 is on the minus strand). VCF-style: chr2-240011339-G-A. GRCh37 (hg19) VCF-style: chr2-240950756-G-A.
Other names: c.749+278C>T (NM_001322020.2, NM_001322019.2).
Identifiers: ClinVar variation 673199 (VCV000673199.1), dbSNP rs111613169, ClinGen allele CA68059465.